The following is an entry in ClinVar:

ClinVar aggregate classification (germline): Conflicting classifications of pathogenicity. Review status: criteria provided, conflicting classifications (1 of 4 stars). 4 submissions from 4 submitters: Uncertain significance (2); Likely benign (1). 1 of the submissions does not count toward it. Last evaluated 2024-12-21.

Conditions:
Inborn genetic diseases. Identifiers: MedGen C0950123, MeSH D030342.
Usher syndrome type 1F (USH1F). Also called: USHER SYNDROME, TYPE IF. Identifiers: Orphanet 231169, Orphanet 886, MedGen C1865885, MONDO:0011186, OMIM 602083.

Allele frequency attached by ClinVar (database versions not stated): gnomAD 0.00005 and 0.00006; gnomAD exomes 0.00011 and 0.00004; ExAC 0.00002; TOPMed 0.00006.
gnomAD v4.1: 165 of 1,613,550 alleles (0.01%); highest among the groups gnomAD compares: Non-Finnish European, 0.014%; no homozygotes.

Submissions (4):

Labcorp Genetics (formerly Invitae), Labcorp
Classification: Uncertain significance. Last evaluated: 2024-12-21. Review status: criteria provided, single submitter. Criteria: Invitae Variant Classification Sherloc (09022015). Collection method: clinical testing. Allele origin: germline.
Comment: This sequence change replaces glutamic acid, which is acidic and polar, with lysine, which is basic and polar, at codon 1727 of the PCDH15 protein (p.Glu1727Lys). This variant is present in population databases (rs775361471, gnomAD 0.006%). This variant has not been reported in the literature in individuals affected with PCDH15-related conditions. ClinVar contains an entry for this variant (Variation ID: 999699). Invitae Evidence Modeling of protein sequence and biophysical properties (such as structural, functional, and spatial information, amino acid conservation, physicochemical variation, residue mobility, and thermodynamic stability) indicates that this missense variant is not expected to disrupt PCDH15 protein function with a negative predictive value of 95%. In summary, the available evidence is currently insufficient to determine the role of this variant in disease. Therefore, it has been classified as a Variant of Uncertain Significance.

Blueprint Genetics
Classification: Uncertain significance. Last evaluated: 2024-09-03. Review status: criteria provided, single submitter. Criteria: ACMG Guidelines, 2015. Collection method: clinical testing. Allele origin: germline.

Ambry Genetics
Classification: Likely benign for Inborn genetic diseases. Last evaluated: 2023-03-27. Review status: criteria provided, single submitter. Criteria: Ambry Variant Classification Scheme 2023. Collection method: clinical testing. Allele origin: germline.

Natera, Inc.
Classification: Uncertain significance for Usher syndrome type 1F. Last evaluated: 2020-03-10. Review status: no assertion criteria provided. Collection method: clinical testing. Allele origin: germline. Not counted in ClinVar's aggregate classification.

NM_033056.4(PCDH15):c.5179G>A (p.Glu1727Lys)

Gene: PCDH15 (protocadherin related 15; minus strand). Cytogenetic location: 10q21.1.
Variant type: single nucleotide variant.
Coding change: c.5179G>A on transcript NM_033056.4 (MANE Plus Clinical); coding-DNA position 5179, G replaced by A.
Protein change: p.Glu1727Lys; replaces glutamic acid 1727 with lysine.
Molecular consequence: missense variant. On other transcripts: intron variant (8).
Genome position (GRCh38, 1-based): chr10:53,822,547, C>T on the plus strand (G>A on the coding strand, the complement: PCDH15 is on the minus strand). VCF-style: chr10-53822547-C-T. GRCh37 (hg19) VCF-style: chr10-55582307-C-T.
Other names: c.5200G>A, p.Glu1734Lys (NM_001142763.2); c.5185G>A, p.Glu1729Lys (NM_001142764.2); c.4972G>A, p.Glu1658Lys (NM_001142765.2); c.5170G>A, p.Glu1724Lys (NM_001142766.2); c.5059G>A, p.Glu1687Lys (NM_001142767.2); c.5119G>A, p.Glu1707Lys (NM_001142768.2); c.5110G>A, p.Glu1704Lys (NM_001142773.2); c.5113G>A, p.Glu1705Lys (NM_001354404.2); and 8 more; short protein forms E1658K, E1687K, E1704K, E1705K, E1707K, E1724K, E1727K, E1729K.
Identifiers: ClinVar variation 999699 (VCV000999699.7), dbSNP rs775361471, ClinGen allele CA5505111.